The following is an entry in ClinVar:

NM_000059.4(BRCA2):c.8774A>T (p.Gln2925Leu)

Gene: BRCA2 (BRCA2 DNA repair associated; plus strand). Cytogenetic location: 13q13.1.
Variant type: single nucleotide variant.
Coding change: c.8774A>T on transcript NM_000059.4 (MANE Select); coding-DNA position 8774, A replaced by T.
Protein change: p.Gln2925Leu; replaces glutamine 2925 with leucine.
Molecular consequence: missense variant.
Genome position (GRCh38, 1-based): chr13:32,379,336, A>T. VCF-style: chr13-32379336-A-T. GRCh37 (hg19) VCF-style: chr13-32953473-A-T.
Other names: short protein forms Q2925L.
Identifiers: ClinVar variation 1356710 (VCV001356710.6), dbSNP rs80359135, ClinGen allele CA387755821.

ClinVar aggregate classification (germline): Uncertain significance (1 of 4 stars; one submission).

Conditions:
Hereditary breast ovarian cancer syndrome. Also called: BRCA1- and BRCA2-Associated Hereditary Breast and Ovarian Cancer; Hereditary breast and ovarian cancer; Hereditary breast and ovarian cancer syndrome; Hereditary breast and ovarian cancer syndrome (HBOC); Breast and ovarian cancer; Hereditary breast and/or ovarian cancer syndrome. Identifiers: Orphanet 145, MedGen C0677776, MeSH D061325, MONDO:0003582. Disease mechanism: loss of function.

Submission:

Labcorp Genetics (formerly Invitae), Labcorp
Classification: Uncertain significance for Hereditary breast ovarian cancer syndrome. Last evaluated: 2021-07-29. Review status: criteria provided, single submitter. Criteria: Invitae Variant Classification Sherloc (09022015). Collection method: clinical testing. Allele origin: germline.
Comment: This sequence change replaces glutamine with leucine at codon 2925 of the BRCA2 protein (p.Gln2925Leu). The glutamine residue is highly conserved and there is a moderate physicochemical difference between glutamine and leucine. This variant is not present in population databases (ExAC no frequency). This variant has not been reported in the literature in individuals affected with BRCA2-related conditions. Advanced modeling of protein sequence and biophysical properties (such as structural, functional, and spatial information, amino acid conservation, physicochemical variation, residue mobility, and thermodynamic stability) performed at Invitae indicates that this missense variant is not expected to disrupt BRCA2 protein function. In summary, the available evidence is currently insufficient to determine the role of this variant in disease. Therefore, it has been classified as a Variant of Uncertain Significance.